The following is an entry in ClinVar:

ClinVar aggregate classification (germline): Likely benign. Review status: criteria provided, multiple submitters, no conflicts (2 of 4 stars). 4 submissions from 4 submitters: Likely benign (4). Last evaluated 2024-11-25.

Allele frequency attached by ClinVar (database versions not stated): gnomAD exomes 0.00061; ExAC 0.00100; 1000 Genomes Project 30x 0.00328; gnomAD 0.00391 and 0.00421; TOPMed 0.00491.
gnomAD v4.1: 1,183 of 1,613,302 alleles (0.073%); highest among the groups gnomAD compares: African/African-American, 1.3%; 9 homozygotes.

Submissions (4):

Blueprint Genetics
Classification: Likely benign. Last evaluated: 2024-11-25. Review status: criteria provided, single submitter. Criteria: ACMG Guidelines, 2015. Collection method: clinical testing. Allele origin: germline.

CeGaT Center for Human Genetics Tuebingen
Classification: Likely benign. Last evaluated: 2024-09-01. Review status: criteria provided, single submitter. Criteria: CeGaT Center For Human Genetics Tuebingen Variant Classification Criteria Version 2. Collection method: clinical testing. Allele origin: germline. Affected: yes. Observed: 1 variant allele.
Comment: KRT6C: BP4, BP7, BS1

Labcorp Genetics (formerly Invitae), Labcorp
Classification: Likely benign. Last evaluated: 2018-05-08. Review status: criteria provided, single submitter. Criteria: Invitae Variant Classification Sherloc (09022015). Collection method: clinical testing. Allele origin: germline.

Breakthrough Genomics
Classification: Likely benign. Review status: criteria provided, single submitter. Criteria: ACMG Guidelines, 2015. Collection method: not provided. Allele origin: germline. Inheritance: Autosomal dominant inheritance. Affected: yes.

NM_173086.5(KRT6C):c.873C>T (p.Leu291=)

Gene: KRT6C (keratin 6C; minus strand). Cytogenetic location: 12q13.13.
Variant type: single nucleotide variant.
Coding change: c.873C>T on transcript NM_173086.5 (MANE Select); coding-DNA position 873, C replaced by T.
Protein change: p.Leu291=; no amino-acid change (leucine 291 retained).
Molecular consequence: synonymous variant.
Genome position (GRCh38, 1-based): chr12:52,471,460, G>A on the plus strand (C>T on the coding strand, the complement: KRT6C is on the minus strand). VCF-style: chr12-52471460-G-A. GRCh37 (hg19) VCF-style: chr12-52865244-G-A.
Identifiers: ClinVar variation 776705 (VCV000776705.18), dbSNP rs145658614, ClinGen allele CA6581366.